The following is an entry in ClinVar:

ClinVar aggregate classification (germline): Uncertain significance. Review status: criteria provided, multiple submitters, no conflicts (2 of 4 stars). 3 submissions from 3 submitters: Uncertain significance (3). Last evaluated 2026-05-01.

Conditions:
Myoclonic dystonia 11 (DYT11). Also called: DYT-SGCE; Dystonia 11; Dystonia, alcohol responsive; Hereditary essential myoclonus; Myoclonic dystonia; SGCE Myoclonus-Dystonia. Identifiers: Orphanet 36899, MedGen C1834570, MONDO:0008044, OMIM 159900.

Allele frequency attached by ClinVar (database versions not stated): gnomAD exomes 0.00002; ExAC 0.00003; gnomAD 0.00003 and 0.00004; TOPMed 0.00003.
gnomAD v4.1: 29 of 1,612,572 alleles (0.0018%); highest among the groups gnomAD compares: Non-Finnish European, 0.0023%; no homozygotes.

Submissions (3):

CeGaT Center for Human Genetics Tuebingen
Classification: Uncertain significance. Last evaluated: 2026-05-01. Review status: criteria provided, single submitter. Criteria: CeGaT Center For Human Genetics Tuebingen Variant Classification Criteria Version 2. Collection method: clinical testing. Allele origin: germline. Affected: yes. Observed: 1 variant allele.

Labcorp Genetics (formerly Invitae), Labcorp
Classification: Uncertain significance for Myoclonic dystonia 11. Last evaluated: 2025-10-05. Review status: criteria provided, single submitter. Criteria: Invitae Variant Classification Sherloc (09022015). Collection method: clinical testing. Allele origin: germline.
Comment: This sequence change replaces valine, which is neutral and non-polar, with isoleucine, which is neutral and non-polar, at codon 255 of the SGCE protein (p.Val255Ile). This variant is present in population databases (rs759032005, gnomAD 0.005%). This variant has not been reported in the literature in individuals affected with SGCE-related conditions. ClinVar contains an entry for this variant (Variation ID: 1008929). Invitae Evidence Modeling of protein sequence and biophysical properties (such as structural, functional, and spatial information, amino acid conservation, physicochemical variation, residue mobility, and thermodynamic stability) indicates that this missense variant is not expected to disrupt SGCE protein function with a negative predictive value of 80%. In summary, the available evidence is currently insufficient to determine the role of this variant in disease. Therefore, it has been classified as a Variant of Uncertain Significance.

GeneDx
Classification: Uncertain significance. Last evaluated: 2025-05-14. Review status: criteria provided, single submitter. Criteria: GeneDx Variant Classification Process June 2021. Collection method: clinical testing. Allele origin: germline. Affected: yes.
Comment: In silico analysis suggests that this missense variant does not alter protein structure/function; Has not been previously published as pathogenic or benign to our knowledge

NM_003919.3(SGCE):c.763G>A (p.Val255Ile)

Genes: CASD1 (CAS1 domain sialic acid O acetyltransferase 1; plus strand), SGCE (sarcoglycan epsilon; minus strand). Cytogenetic location: 7q21.3.
Variant type: single nucleotide variant.
Coding change: c.763G>A on transcript NM_003919.3 (MANE Select); coding-DNA position 763, G replaced by A.
Protein change: p.Val255Ile; replaces valine 255 with isoleucine.
Molecular consequence: missense variant.
Genome position (GRCh38, 1-based): chr7:94,603,352, C>T on the plus strand (G>A on the coding strand, the complement: SGCE is on the minus strand). VCF-style: chr7-94603352-C-T. GRCh37 (hg19) VCF-style: chr7-94232664-C-T.
Other names: c.763G>A, p.Val255Ile (NM_001099400.2, NM_001099401.2, NM_001346717.2); c.640G>A, p.Val214Ile (NM_001301139.2, NM_001362809.2); c.871G>A, p.Val291Ile (NM_001346713.2, NM_001346715.2); c.676G>A, p.Val226Ile (NM_001346719.2, NM_001362807.2); c.490G>A, p.Val164Ile (NM_001346720.2, NM_001362808.2); c.763G>A (NM_003919.2); short protein forms V164I, V214I, V226I, V255I, V291I.
Identifiers: ClinVar variation 1008929 (VCV001008929.10), dbSNP rs759032005, ClinGen allele CA4348730.